The following is an entry in ClinVar:

ClinVar aggregate classification (germline): Likely benign. Review status: reviewed by expert panel (3 of 4 stars). 4 submissions from 4 submitters: Likely benign (1). 3 of the submissions do not count toward it. Last evaluated 2017-06-29.

Conditions:
Hereditary cancer-predisposing syndrome. Also called: Tumor predisposition; Hereditary Cancer Syndrome; Hereditary neoplastic syndrome; Neoplastic Syndromes, Hereditary. Identifiers: Orphanet 140162, MedGen C0027672, MeSH D009386, MONDO:0015356.
Hereditary breast ovarian cancer syndrome. Also called: Breast and ovarian cancer; Hereditary breast and ovarian cancer syndrome; Hereditary breast and ovarian cancer; BRCA1- and BRCA2-Associated Hereditary Breast and Ovarian Cancer; Hereditary breast and ovarian cancer syndrome (HBOC); Hereditary breast and/or ovarian cancer syndrome. Identifiers: Orphanet 145, MedGen C0677776, MeSH D061325, MONDO:0003582. Disease mechanism: loss of function.
Breast-ovarian cancer, familial, susceptibility to, 2 (BROVCA2). Also called: BRCA2 Hereditary Breast and Ovarian Cancer. Identifiers: Orphanet 145, MedGen C2675520, MONDO:0012933, OMIM 612555. Disease mechanism: loss of function.

Submissions (4):

Evidence-based Network for the Interpretation of Germline Mutant Alleles (ENIGMA)
Classification: Likely benign for Breast-ovarian cancer, familial, susceptibility to, 2. Last evaluated: 2017-06-29. Review status: reviewed by expert panel. Criteria: ENIGMA BRCA1/2 Classification Criteria (2017-06-29). Collection method: curation. Allele origin: germline.
Comment: Synonymous substitution variant, with low bioinformatic likelihood to result in a splicing aberration (Splicing prior probability 0.02).

Labcorp Genetics (formerly Invitae), Labcorp
Classification: Likely benign for Hereditary breast ovarian cancer syndrome. Last evaluated: 2025-09-24. Review status: criteria provided, single submitter. Criteria: Invitae Variant Classification Sherloc (09022015). Collection method: clinical testing. Allele origin: germline. Not counted in ClinVar's aggregate classification.

Color Diagnostics, LLC DBA Color Health
Classification: Likely benign for Hereditary cancer-predisposing syndrome. Last evaluated: 2019-01-23. Review status: criteria provided, single submitter. Criteria: ACMG Guidelines, 2015. Collection method: clinical testing. Allele origin: germline. Not counted in ClinVar's aggregate classification.

Ambry Genetics
Classification: Likely benign for Hereditary cancer-predisposing syndrome. Last evaluated: 2014-12-04. Review status: criteria provided, single submitter. Criteria: Ambry Variant Classification Scheme 2023. Collection method: clinical testing. Allele origin: germline. Not counted in ClinVar's aggregate classification.

NM_000059.4(BRCA2):c.5907C>G (p.Val1969=)

Gene: BRCA2 (BRCA2 DNA repair associated; plus strand). Cytogenetic location: 13q13.1.
Variant type: single nucleotide variant.
Coding change: c.5907C>G on transcript NM_000059.4 (MANE Select); coding-DNA position 5907, C replaced by G.
Protein change: p.Val1969=; no amino-acid change (valine 1969 retained).
Molecular consequence: synonymous variant.
Genome position (GRCh38, 1-based): chr13:32,340,262, C>G. VCF-style: chr13-32340262-C-G. GRCh37 (hg19) VCF-style: chr13-32914399-C-G.
Identifiers: ClinVar variation 184344 (VCV000184344.18), dbSNP rs786201413, ClinGen allele CA023360.